The following is an entry in ClinVar:

NM_001042492.3(NF1):c.6747T>C (p.Leu2249=)

Gene: NF1 (neurofibromin 1; plus strand). Cytogenetic location: 17q11.2.
Variant type: single nucleotide variant.
Coding change: c.6747T>C on transcript NM_001042492.3 (MANE Select); coding-DNA position 6747, T replaced by C.
Protein change: p.Leu2249=; no amino-acid change (leucine 2249 retained).
Molecular consequence: synonymous variant.
Genome position (GRCh38, 1-based): chr17:31,338,067, T>C. VCF-style: chr17-31338067-T-C. GRCh37 (hg19) VCF-style: chr17-29665085-T-C.
Other names: c.6684T>C, p.Leu2228= (NM_000267.4).
Identifiers: ClinVar variation 1754871 (VCV001754871.5), dbSNP rs2151558163, ClinGen allele CA499234274.
Genomic context (GRCh38, chr17:31,338,067, plus strand): 5'-TGGATCTTTTAATTGCAGATTTGCATTCCAATATAATCCATCCCTGCAACCAAGAGCTCT[T>C]GTTGTCTTTGGGTGTATTAGCAAACGAGTGTCTCATGGGCAGATAAAGCAGATAATCCGT-3'
Protein context (NP_001035957.1, residues 2239-2259): QYNPSLQPRA[Leu2249=]VVFGCISKRV

ClinVar aggregate classification (germline): Benign/Likely benign. Review status: criteria provided, multiple submitters, no conflicts (2 of 4 stars). 3 submissions from 3 submitters: Benign (1); Likely benign (2). Last evaluated 2026-09-29.

Conditions:
Neurofibromatosis, type 1 (NF1). Also called: VON RECKLINGHAUSEN DISEASE; Peripheral type neurofibromatosis; NEUROFIBROMATOSIS, TYPE I, SOMATIC; Neurofibromatosis, type I. Identifiers: Orphanet 636, MedGen C0027831, MONDO:0018975, OMIM 162200. Disease mechanism: loss of function.
Cardiovascular phenotype. Identifiers: MedGen CN230736.
Hereditary cancer-predisposing syndrome. Also called: Hereditary neoplastic syndrome; Neoplastic Syndromes, Hereditary; Tumor predisposition; Hereditary Cancer Syndrome. Identifiers: Orphanet 140162, MedGen C0027672, MeSH D009386, MONDO:0015356.

Submissions (3):

Myriad Genetics, Inc.
Classification: Benign for Neurofibromatosis, type 1. Last evaluated: 2026-09-29. Review status: criteria provided, single submitter. Criteria: Myriad Autosomal Dominant, Autosomal Recessive and X-Linked Classification Criteria (2023). Collection method: clinical testing. Allele origin: unknown.
Comment: This variant is considered benign. This variant is a silent/synonymous amino acid change and it is not expected to impact splicing.

Labcorp Genetics (formerly Invitae), Labcorp
Classification: Likely benign for Neurofibromatosis, type 1. Last evaluated: 2024-10-09. Review status: criteria provided, single submitter. Criteria: Invitae Variant Classification Sherloc (09022015). Collection method: clinical testing. Allele origin: germline.

Ambry Genetics
Classification: Likely benign for Cardiovascular phenotype; Hereditary cancer-predisposing syndrome. Last evaluated: 2022-02-15. Review status: criteria provided, single submitter. Criteria: Ambry Variant Classification Scheme 2023. Collection method: clinical testing. Allele origin: germline.